The following is an entry in ClinVar:

NM_004408.4(DNM1):c.587A>G (p.Gln196Arg)

Genes: DNM1 (dynamin 1; plus strand), LOC113839516 (Sharpr-MPRA regulatory region 8497; plus strand). Cytogenetic location: 9q34.11.
Variant type: single nucleotide variant.
Coding change: c.587A>G on transcript NM_004408.4 (MANE Select); coding-DNA position 587, A replaced by G.
Protein change: p.Gln196Arg; replaces glutamine 196 with arginine.
Molecular consequence: missense variant.
Genome position (GRCh38, 1-based): chr9:128,219,250, A>G. VCF-style: chr9-128219250-A-G. GRCh37 (hg19) VCF-style: chr9-130981529-A-G.
Other names: c.587A>G, p.Gln196Arg (NM_001005336.3, NM_001288737.2, NM_001288738.2 and 2 more transcripts); short protein forms Q196R.
Identifiers: ClinVar variation 1305049 (VCV001305049.2), dbSNP rs2131153185, ClinGen allele CA375011755.

ClinVar aggregate classification (germline): Uncertain significance (1 of 4 stars; one submission).

Submission:

GeneDx
Classification: Uncertain significance. Last evaluated: 2019-04-11. Review status: criteria provided, single submitter. Criteria: GeneDx Variant Classification Process June 2021. Collection method: clinical testing. Allele origin: germline. Affected: yes.
Comment: Not observed in large population cohorts (Lek et al., 2016); In silico analysis, which includes protein predictors and evolutionary conservation, supports a deleterious effect; Has not been previously published as pathogenic or benign to our knowledge